The following is an entry in ClinVar:

ClinVar aggregate classification (germline): Uncertain significance (1 of 4 stars; one submission).

Submission:

Labcorp Genetics (formerly Invitae), Labcorp
Classification: Uncertain significance. Last evaluated: 2023-08-17. Review status: criteria provided, single submitter. Criteria: Invitae Variant Classification Sherloc (09022015). Collection method: clinical testing. Allele origin: germline.
Comment: In summary, the available evidence is currently insufficient to determine the role of this variant in disease. Therefore, it has been classified as a Variant of Uncertain Significance. Advanced modeling of protein sequence and biophysical properties (such as structural, functional, and spatial information, amino acid conservation, physicochemical variation, residue mobility, and thermodynamic stability) performed at Invitae indicates that this missense variant is not expected to disrupt COL7A1 protein function. ClinVar contains an entry for this variant (Variation ID: 1380562). This variant has not been reported in the literature in individuals affected with COL7A1-related conditions. This variant is not present in population databases (gnomAD no frequency). This sequence change replaces tryptophan, which is neutral and slightly polar, with glycine, which is neutral and non-polar, at codon 900 of the COL7A1 protein (p.Trp900Gly).

NM_000094.4(COL7A1):c.2698T>G (p.Trp900Gly)

Gene: COL7A1 (collagen type VII alpha 1 chain; minus strand). Cytogenetic location: 3p21.31.
Variant type: single nucleotide variant.
Coding change: c.2698T>G on transcript NM_000094.4 (MANE Select); coding-DNA position 2698, T replaced by G.
Protein change: p.Trp900Gly; replaces tryptophan 900 with glycine.
Molecular consequence: missense variant.
Genome position (GRCh38, 1-based): chr3:48,588,294, A>C on the plus strand (T>G on the coding strand, the complement: COL7A1 is on the minus strand). VCF-style: chr3-48588294-A-C. GRCh37 (hg19) VCF-style: chr3-48625727-A-C.
Other names: short protein forms W900G.
Identifiers: ClinVar variation 1380562 (VCV001380562.6), dbSNP rs2107763593, ClinGen allele CA352717023.
Genomic context (GRCh38, chr3:48,588,294, plus strand): 5'-AGCCCTGCCCCCAATGGTCCCTAACTTCCTCCTGGGGACACCTCTCACCCTCAGGTTGCC[A>C]GTGCAGAAGGAAGCCCTGCGCTCTGGGCACCGGCTCCCAGCGCAGCCTCAGCGAGTGCTC-3'
Protein context (NP_000085.1, residues 890-910): VPRAQGFLLH[Trp900Gly]QPEGGQEQSR